The following is an entry in ClinVar:

ClinVar aggregate classification (germline): Pathogenic/Likely pathogenic. Review status: criteria provided, multiple submitters, no conflicts (2 of 4 stars). 5 submissions from 5 submitters: Pathogenic (4); Likely pathogenic (1). Last evaluated 2025-08-15.

Conditions:
Muscular dystrophy, limb-girdle, autosomal dominant 4. Also called: MUSCULAR DYSTROPHY, LIMB-GIRDLE, TYPE 1I; Calpain-3-related limb-girdle muscular dystrophy D4. Identifiers: Orphanet 565909, MedGen C4748295, MONDO:0029133, OMIM 618129.
Autosomal recessive limb-girdle muscular dystrophy type 2A (LGMDR1). Also called: MUSCULAR DYSTROPHY, PELVOFEMORAL; Limb-girdle muscular dystrophy, type 2A; Muscular dystrophy, limb-girdle, type 2A, Amish; LEYDEN-MOEBIUS MUSCULAR DYSTROPHY; Calpainopathy. Identifiers: Orphanet 267, MedGen C1869123, MONDO:0009675, OMIM 253600. Disease mechanism: loss of function.

Submissions (5):

Natera, Inc.
Classification: Pathogenic for Limb-girdle muscular dystrophy type 2A. Last evaluated: 2025-08-15. Review status: criteria provided, single submitter. Criteria: Natera Variant Classification Schema (03/2026). Collection method: clinical testing. Allele origin: germline.
Comment: The c.2162G>A variant in CAPN3 is a nonsense variant predicted to introduce a stop codon at amino acid 721. This variant is expected to result in nonsense mediated decay, truncation, or a dysfunctional protein product. This variant is rare in the general population with a frequency below the threshold expected for the associated phenotype(s). This variant has been observed in one or more individuals affected with the associated recessive disease, as either homozygous or compound heterozygous with a second variant (PMID: 33931068). Given the available evidence, this variant is classified as Pathogenic.

Fulgent Genetics
Classification: Pathogenic for Autosomal recessive limb-girdle muscular dystrophy type 2A; Muscular dystrophy, limb-girdle, autosomal dominant 4. Last evaluated: 2024-04-11. Review status: criteria provided, single submitter. Criteria: ACMG Guidelines, 2015. Collection method: clinical testing. Allele origin: germline.

Labcorp Genetics (formerly Invitae), Labcorp
Classification: Pathogenic for Autosomal recessive limb-girdle muscular dystrophy type 2A. Last evaluated: 2023-08-11. Review status: criteria provided, single submitter. Criteria: Invitae Variant Classification Sherloc (09022015). Collection method: clinical testing. Allele origin: germline.
Comment: This sequence change creates a premature translational stop signal (p.Trp721*) in the CAPN3 gene. It is expected to result in an absent or disrupted protein product. Loss-of-function variants in CAPN3 are known to be pathogenic (PMID: 10330340, 15689361). For these reasons, this variant has been classified as Pathogenic. Algorithms developed to predict the effect of sequence changes on RNA splicing suggest that this variant may disrupt the consensus splice site. ClinVar contains an entry for this variant (Variation ID: 849826). This premature translational stop signal has been observed in individual(s) with autosomal recessive limb-girdle muscular dystrophy (PMID: 33931068). This variant is not present in population databases (gnomAD no frequency).

Baylor Genetics
Classification: Pathogenic for Muscular dystrophy, limb-girdle, autosomal dominant 4. Last evaluated: 2023-05-27. Review status: criteria provided, single submitter. Criteria: ACMG Guidelines, 2015. Collection method: clinical testing. Allele origin: unknown.

Myriad Genetics, Inc.
Classification: Likely pathogenic for Autosomal recessive limb-girdle muscular dystrophy type 2A. Last evaluated: 2019-07-21. Review status: criteria provided, single submitter. Criteria: Myriad Women's Health Autosomal Recessive and X-Linked Classification Criteria (2019). Collection method: clinical testing. Allele origin: unknown.
Comment: NM_000070.2(CAPN3):c.2162G>A(W721*) is expected to be pathogenic in the context of calpainopathy. This variant is predicted to lead to an abnormal or absent protein product due to the creation of a premature termination codon in CAPN3, a gene where loss-of-function variants are known to be pathogenic. Please note: this variant was assessed in the context of healthy population screening.

Literature cited by the submitters: PubMed 33931068 (cited by Natera, Inc. and Labcorp Genetics (formerly Invitae), Labcorp); PubMed 10330340 (cited by Labcorp Genetics (formerly Invitae), Labcorp); PubMed 15689361 (cited by Labcorp Genetics (formerly Invitae), Labcorp).

NM_000070.3(CAPN3):c.2162G>A (p.Trp721Ter)

Gene: CAPN3 (calpain 3; plus strand). Cytogenetic location: 15q15.1.
Variant type: single nucleotide variant.
Coding change: c.2162G>A on transcript NM_000070.3 (MANE Select); coding-DNA position 2162, G replaced by A.
Protein change: p.Trp721Ter; replaces tryptophan 721 with a stop codon.
Molecular consequence: nonsense.
Genome position (GRCh38, 1-based): chr15:42,410,474, G>A. VCF-style: chr15-42410474-G-A. GRCh37 (hg19) VCF-style: chr15-42702672-G-A.
Other names: c.167G>A, p.Trp56Ter (NM_173089.2, NM_173090.2); c.2144G>A, p.Trp715Ter (NM_024344.2); c.1886G>A, p.Trp629Ter (NM_173087.2); c.626G>A, p.Trp209Ter (NM_173088.2); short protein forms W209*, W629*, W56*, W715*, W721*.
Identifiers: ClinVar variation 849826 (VCV000849826.10), dbSNP rs774048414, ClinGen allele CA392001702.